The following is an entry in ClinVar:

NM_006059.4(LAMC3):c.952G>A (p.Ala318Thr)

Gene: LAMC3 (laminin subunit gamma 3; plus strand). Cytogenetic location: 9q34.12.
Variant type: single nucleotide variant.
Coding change: c.952G>A on transcript NM_006059.4 (MANE Select); coding-DNA position 952, G replaced by A.
Protein change: p.Ala318Thr; replaces alanine 318 with threonine.
Molecular consequence: missense variant.
Genome position (GRCh38, 1-based): chr9:131,036,308, G>A. VCF-style: chr9-131036308-G-A. GRCh37 (hg19) VCF-style: chr9-133911695-G-A.
Other names: short protein forms A318T.
Identifiers: ClinVar variation 1410766 (VCV001410766.5), dbSNP rs560608447, ClinGen allele CA5286874.

ClinVar aggregate classification (germline): Uncertain significance (1 of 4 stars; one submission).

Allele frequency attached by ClinVar (database versions not stated): gnomAD 0.00001 and 0.00002; ExAC 0.00003; TOPMed 0.00003; gnomAD exomes 0.00004; 1000 Genomes Project 0.00020; 1000 Genomes Project 30x 0.00031.

Submission:

Labcorp Genetics (formerly Invitae), Labcorp
Classification: Uncertain significance. Last evaluated: 2022-02-24. Review status: criteria provided, single submitter. Criteria: Invitae Variant Classification Sherloc (09022015). Collection method: clinical testing. Allele origin: germline.
Comment: This sequence change replaces alanine, which is neutral and non-polar, with threonine, which is neutral and polar, at codon 318 of the LAMC3 protein (p.Ala318Thr). This variant is present in population databases (rs560608447, gnomAD 0.009%). This variant has not been reported in the literature in individuals affected with LAMC3-related conditions. Algorithms developed to predict the effect of missense changes on protein structure and function are either unavailable or do not agree on the potential impact of this missense change (SIFT: "Tolerated"; PolyPhen-2: "Possibly Damaging"; Align-GVGD: "Class C0"). In summary, the available evidence is currently insufficient to determine the role of this variant in disease. Therefore, it has been classified as a Variant of Uncertain Significance.